The following is an entry in ClinVar:

NM_005430.4(WNT1):c.730G>T (p.Asp244Tyr)

Gene: WNT1 (Wnt family member 1; plus strand). Cytogenetic location: 12q13.12.
Variant type: single nucleotide variant.
Coding change: c.730G>T on transcript NM_005430.4 (MANE Select); coding-DNA position 730, G replaced by T.
Protein change: p.Asp244Tyr; replaces aspartic acid 244 with tyrosine.
Molecular consequence: missense variant.
Genome position (GRCh38, 1-based): chr12:48,981,257, G>T. VCF-style: chr12-48981257-G-T. GRCh37 (hg19) VCF-style: chr12-49375040-G-T.
Other names: short protein forms D244Y.
Identifiers: ClinVar variation 1309191 (VCV001309191.7), dbSNP rs1941009207, ClinGen allele CA384634584.
Genomic context (GRCh38, chr12:48,981,257, plus strand): 5'-TCCGGCTCATGCACGGTGCGCACGTGCTGGATGCGGCTGCCCACGCTGCGCGCCGTGGGC[G>T]ATGTGCTGCGCGACCGCTTCGACGGCGCCTCGCGCGTCCTGTACGGCAACCGCGGCAGCA-3'
Protein context (NP_005421.1, residues 234-254): MRLPTLRAVG[Asp244Tyr]VLRDRFDGAS

ClinVar aggregate classification (germline): Uncertain significance. Review status: criteria provided, multiple submitters, no conflicts (2 of 4 stars). 2 submissions from 2 submitters: Uncertain significance (2). Last evaluated 2026-08-14.

Allele frequency attached by ClinVar (database versions not stated): TOPMed below 0.00001.

Submissions (2):

GeneDx
Classification: Uncertain significance. Last evaluated: 2026-08-14. Review status: criteria provided, single submitter. Criteria: GeneDx Variant Classification Process June 2021. Collection method: clinical testing. Allele origin: germline.
Comment: Not observed at significant frequency in large population cohorts (gnomAD); In silico analysis supports that this missense variant has a deleterious effect on protein structure/function; Has not been previously published as pathogenic or benign to our knowledge

Labcorp Genetics (formerly Invitae), Labcorp
Classification: Uncertain significance. Last evaluated: 2022-05-16. Review status: criteria provided, single submitter. Criteria: Invitae Variant Classification Sherloc (09022015). Collection method: clinical testing. Allele origin: germline.
Comment: In summary, the available evidence is currently insufficient to determine the role of this variant in disease. Therefore, it has been classified as a Variant of Uncertain Significance. Algorithms developed to predict the effect of missense changes on protein structure and function (SIFT, PolyPhen-2, Align-GVGD) all suggest that this variant is likely to be disruptive. ClinVar contains an entry for this variant (Variation ID: 1309191). This variant has not been reported in the literature in individuals affected with WNT1-related conditions. This variant is not present in population databases (gnomAD no frequency). This sequence change replaces aspartic acid, which is acidic and polar, with tyrosine, which is neutral and polar, at codon 244 of the WNT1 protein (p.Asp244Tyr).